The following is an entry in ClinVar:

ClinVar aggregate classification (germline): Uncertain significance (1 of 4 stars; one submission).

Conditions:
DNA ligase IV deficiency. Identifiers: Orphanet 99812, MedGen C1847827, MONDO:0011686, OMIM 606593.

Submission:

Labcorp Genetics (formerly Invitae), Labcorp
Classification: Uncertain significance for DNA ligase IV deficiency. Last evaluated: 2022-08-20. Review status: criteria provided, single submitter. Criteria: Invitae Variant Classification Sherloc (09022015). Collection method: clinical testing. Allele origin: germline.
Comment: This variant, c.646_648del, results in the deletion of 1 amino acid(s) of the LIG4 protein (p.Asn216del), but otherwise preserves the integrity of the reading frame. This variant is present in population databases (rs754488811, gnomAD 0.03%). This variant has not been reported in the literature in individuals affected with LIG4-related conditions. Experimental studies and prediction algorithms are not available or were not evaluated, and the functional significance of this variant is currently unknown. In summary, the available evidence is currently insufficient to determine the role of this variant in disease. Therefore, it has been classified as a Variant of Uncertain Significance.

NM_206937.2(LIG4):c.646_648del (p.Asn216del)

Gene: LIG4 (DNA ligase 4; minus strand). Cytogenetic location: 13q33.3.
Variant type: Deletion.
Coding change: c.646_648del on transcript NM_206937.2 (MANE Select); coding-DNA positions 646 to 648, 3 bases deleted (AAT; older notation c.646_648delAAT).
Protein change: p.Asn216del; deletes asparagine 216.
Molecular consequence: inframe deletion.
Genome position (GRCh38, 1-based): chr13:108,210,621-108,210,623, ATT deleted on the plus strand (AAT on the coding strand, the reverse complement: LIG4 is on the minus strand); deleting any 3 consecutive bases within chr13:108,210,621-108,210,625 gives the same sequence; the c. name uses the placement nearest the transcript's 3' end. VCF-style (leftmost placement, unchanged base first): chr13-108210620-CATT-C. GRCh37 (hg19) VCF-style: chr13-108862968-CATT-C.
Other names: c.646_648del, p.Asn216del (NM_001098268.2, NM_001352598.2, NM_001352599.2 and 6 more transcripts); c.445_447del, p.Asn149del (NM_001330595.2); c.682_684del, p.Asn228del (NM_001352604.2); short protein forms N149del, N228del, N216del.
Identifiers: ClinVar variation 1982473 (VCV001982473.1), dbSNP rs754488811, ClinGen allele CA7043813.